The following is an entry in ClinVar:

ClinVar aggregate classification (germline): Uncertain significance (1 of 4 stars; one submission).

Allele frequency attached by ClinVar (database versions not stated): gnomAD exomes below 0.00001; ExAC 0.00001.

Submission:

Labcorp Genetics (formerly Invitae), Labcorp
Classification: Uncertain significance. Last evaluated: 2021-02-24. Review status: criteria provided, single submitter. Criteria: Invitae Variant Classification Sherloc (09022015). Collection method: clinical testing. Allele origin: germline.
Comment: This variant has not been reported in the literature in individuals with ASAH1-related conditions. The frequency data for this variant in the population databases is considered unreliable, as metrics indicate poor data quality at this position in the ExAC database. This sequence change replaces threonine with isoleucine at codon 51 of the ASAH1 protein (p.Thr51Ile). The threonine residue is highly conserved and there is a moderate physicochemical difference between threonine and isoleucine. Algorithms developed to predict the effect of missense changes on protein structure and function (SIFT, PolyPhen-2, Align-GVGD) all suggest that this variant is likely to be tolerated, but these predictions have not been confirmed by published functional studies and their clinical significance is uncertain. In summary, the available evidence is currently insufficient to determine the role of this variant in disease. Therefore, it has been classified as a Variant of Uncertain Significance.

NM_177924.5(ASAH1):c.152C>T (p.Thr51Ile)

Gene: ASAH1 (N-acylsphingosine amidohydrolase 1; minus strand). Cytogenetic location: 8p22.
Variant type: single nucleotide variant.
Coding change: c.152C>T on transcript NM_177924.5 (MANE Select); coding-DNA position 152, C replaced by T.
Protein change: p.Thr51Ile; replaces threonine 51 with isoleucine.
Molecular consequence: missense variant. On other transcripts: 5 prime UTR variant (1).
Genome position (GRCh38, 1-based): chr8:18,071,364, G>A on the plus strand (C>T on the coding strand, the complement: ASAH1 is on the minus strand). VCF-style: chr8-18071364-G-A. GRCh37 (hg19) VCF-style: chr8-17928873-G-A.
Other names: c.221C>T, p.Thr74Ile (NM_001127505.3); c.-44C>T (NM_001363743.2); c.200C>T, p.Thr67Ile (NM_004315.6); short protein forms T74I, T51I, T67I.
Identifiers: ClinVar variation 1507245 (VCV001507245.6), dbSNP rs756286381, ClinGen allele CA4650999.
Genomic context (GRCh38, chr8:18,071,364, plus strand): 5'-GGTGCCTTGTCAAGCATCAATTCATGCCATCTTTTGTAGGGTGGTAAGTCAAGATTTATG[G>A]TGTACCATGGAACTGCACCTCTGTACCTGTAATGAGAGGTGTATCATCTTGAAATGATGA-3'
Protein context (NP_808592.2, residues 41-61): PTYRGAVPWY[Thr51Ile]INLDLPPYKR